The following is an entry in ClinVar:

NM_001111.5(ADAR):c.673C>T (p.Pro225Ser)

Gene: ADAR (adenosine deaminase RNA specific; minus strand). Cytogenetic location: 1q21.3.
Variant type: single nucleotide variant.
Coding change: c.673C>T on transcript NM_001111.5 (MANE Select); coding-DNA position 673, C replaced by T.
Protein change: p.Pro225Ser; replaces proline 225 with serine.
Molecular consequence: missense variant. On other transcripts: 5 prime UTR variant (6).
Genome position (GRCh38, 1-based): chr1:154,601,969, G>A on the plus strand (C>T on the coding strand, the complement: ADAR is on the minus strand). VCF-style: chr1-154601969-G-A. GRCh37 (hg19) VCF-style: chr1-154574445-G-A.
Other names: c.-213C>T (NM_001025107.3, NM_001193495.2, NM_001365046.1 and 3 more transcripts); c.700C>T, p.Pro234Ser (NM_001365045.1); c.673C>T, p.Pro225Ser (NM_015840.4, NM_015841.4); short protein forms P234S, P225S.
Identifiers: ClinVar variation 1399123 (VCV001399123.9), dbSNP rs759905537, ClinGen allele CA1131656.

ClinVar aggregate classification (germline): Uncertain significance. Review status: criteria provided, multiple submitters, no conflicts (2 of 4 stars). 2 submissions from 2 submitters: Uncertain significance (2). Last evaluated 2025-09-28.

Conditions:
Symmetrical dyschromatosis of extremities (DSH). Also called: SYMMETRIC DYSCHROMATOSIS OF THE EXTREMITIES; Dyschromatosis symmetrica hereditaria; DYSCHROMATOSIS SYMMETRICA HEREDITARIA 1; RETICULATE ACROPIGMENTATION OF DOHI. Identifiers: Orphanet 41, MedGen C0406775, MONDO:0007483, OMIM 127400.
Aicardi-Goutieres syndrome 6 (AGS6). Identifiers: Orphanet 51, MedGen C3539013, MONDO:0014007, OMIM 615010.

Allele frequency attached by ClinVar (database versions not stated): gnomAD exomes below 0.00001 and 0.00001; ExAC 0.00001; TOPMed 0.00001.
gnomAD v4.1: 8 of 1,614,050 alleles (0.0005%); highest among the groups gnomAD compares: Admixed American, 0.0017%; no homozygotes.

Submissions (2):

Labcorp Genetics (formerly Invitae), Labcorp
Classification: Uncertain significance for Aicardi-Goutieres syndrome 6; Symmetrical dyschromatosis of extremities. Last evaluated: 2025-09-28. Review status: criteria provided, single submitter. Criteria: Invitae Variant Classification Sherloc (09022015). Collection method: clinical testing. Allele origin: germline.
Comment: This sequence change replaces proline, which is neutral and non-polar, with serine, which is neutral and polar, at codon 225 of the ADAR protein (p.Pro225Ser). This variant is present in population databases (rs759905537, gnomAD 0.003%). This variant has not been reported in the literature in individuals affected with ADAR-related conditions. ClinVar contains an entry for this variant (Variation ID: 1399123). An algorithm developed to predict the effect of missense changes on protein structure and function outputs the following: PolyPhen-2: "Not Available". The serine amino acid residue is found in multiple mammalian species, which suggests that this missense change does not adversely affect protein function. In summary, the available evidence is currently insufficient to determine the role of this variant in disease. Therefore, it has been classified as a Variant of Uncertain Significance.

Blueprint Genetics
Classification: Uncertain significance. Last evaluated: 2024-02-19. Review status: criteria provided, single submitter. Criteria: ACMG Guidelines, 2015. Collection method: clinical testing. Allele origin: germline.